The following is an entry in ClinVar:

ClinVar aggregate classification (germline): Uncertain significance. Review status: criteria provided, multiple submitters, no conflicts (2 of 4 stars). 3 submissions from 3 submitters: Uncertain significance (3). Last evaluated 2025-09-02.

Conditions:
Inborn genetic diseases. Identifiers: MedGen C0950123, MeSH D030342.

gnomAD v4.1: 38 of 1,610,628 alleles (0.0024%); highest among the groups gnomAD compares: African/African-American, 0.036%; no homozygotes.

Submissions (3):

Labcorp Genetics (formerly Invitae), Labcorp
Classification: Uncertain significance. Last evaluated: 2025-09-02. Review status: criteria provided, single submitter. Criteria: Invitae Variant Classification Sherloc (09022015). Collection method: clinical testing. Allele origin: germline.
Comment: This sequence change replaces leucine, which is neutral and non-polar, with valine, which is neutral and non-polar, at codon 306 of the WDR11 protein (p.Leu306Val). This variant is present in population databases (rs200501512, gnomAD 0.05%). This variant has not been reported in the literature in individuals affected with WDR11-related conditions. ClinVar contains an entry for this variant (Variation ID: 3469203). An algorithm developed to predict the effect of missense changes on protein structure and function (PolyPhen-2) suggests that this variant is likely to be disruptive. In summary, the available evidence is currently insufficient to determine the role of this variant in disease. Therefore, it has been classified as a Variant of Uncertain Significance.

GeneDx
Classification: Uncertain significance. Last evaluated: 2025-06-29. Review status: criteria provided, single submitter. Criteria: GeneDx Variant Classification Process June 2021. Collection method: clinical testing. Allele origin: germline. Affected: yes.
Comment: In silico analysis suggests that this missense variant does not alter protein structure/function; Has not been previously published as pathogenic or benign to our knowledge

Ambry Genetics
Classification: Uncertain significance for Inborn genetic diseases. Last evaluated: 2024-11-14. Review status: criteria provided, single submitter. Criteria: Ambry Variant Classification Scheme 2023. Collection method: clinical testing. Allele origin: germline.

NM_018117.12(WDR11):c.916C>G (p.Leu306Val)

Gene: WDR11 (WD repeat domain 11; plus strand). Cytogenetic location: 10q26.12.
Variant type: single nucleotide variant.
Coding change: c.916C>G on transcript NM_018117.12 (MANE Select); coding-DNA position 916, C replaced by G.
Protein change: p.Leu306Val; replaces leucine 306 with valine.
Molecular consequence: missense variant.
Genome position (GRCh38, 1-based): chr10:120,865,666, C>G. VCF-style: chr10-120865666-C-G. GRCh37 (hg19) VCF-style: chr10-122625178-C-G.
Other names: short protein forms L306V.
Identifiers: ClinVar variation 3469203 (VCV003469203.3).